The following is an entry in ClinVar:

ClinVar aggregate classification (germline): Uncertain significance (1 of 4 stars; one submission).

Conditions:
COL1A1-related disorder. Also called: COL1A1- related disease; COL1A1-related condition.

Submission:

PreventionGenetics, part of Exact Sciences
Classification: Uncertain significance for COL1A1-related condition. Last evaluated: 2025-01-01. Review status: criteria provided, single submitter. Criteria: ACMG Guidelines, 2015. Collection method: clinical testing. Allele origin: germline.
Comment: The COL1A1 c.1666C>T variant is predicted to result in the amino acid substitution p.Pro556Ser. To our knowledge, this variant has not been reported in the literature or in a large population database (gnomAD), indicating this variant is rare. At this time, the clinical significance of this variant is uncertain due to the absence of conclusive functional and genetic evidence.

NM_000088.4(COL1A1):c.1666C>T (p.Pro556Ser)

Gene: COL1A1 (collagen type I alpha 1 chain; minus strand). Cytogenetic location: 17q21.33.
Variant type: single nucleotide variant.
Coding change: c.1666C>T on transcript NM_000088.4 (MANE Select); coding-DNA position 1666, C replaced by T.
Protein change: p.Pro556Ser; replaces proline 556 with serine.
Molecular consequence: missense variant.
Genome position (GRCh38, 1-based): chr17:50,194,132, G>A on the plus strand (C>T on the coding strand, the complement: COL1A1 is on the minus strand). VCF-style: chr17-50194132-G-A. GRCh37 (hg19) VCF-style: chr17-48271493-G-A.
Other names: short protein forms P556S.
Identifiers: ClinVar variation 4997936 (VCV004997936.1).